The following is an entry in ClinVar:

ClinVar aggregate classification (germline): Conflicting classifications of pathogenicity. Review status: criteria provided, conflicting classifications (1 of 4 stars). 2 submissions from 2 submitters: Uncertain significance (1); Likely benign (1). Last evaluated 2025-08-26.

Allele frequency attached by ClinVar (database versions not stated): ESP Exome Variant Server 0.00008; gnomAD 0.00013 and 0.00014; gnomAD exomes 0.00016 and 0.00035; ExAC 0.00018.
gnomAD v4.1: 517 of 1,613,858 alleles (0.032%); highest among the groups gnomAD compares: Non-Finnish European, 0.042%; no homozygotes.

Submissions (2):

Labcorp Genetics (formerly Invitae), Labcorp
Classification: Uncertain significance. Last evaluated: 2025-08-26. Review status: criteria provided, single submitter. Criteria: Invitae Variant Classification Sherloc (09022015). Collection method: clinical testing. Allele origin: germline.
Comment: This sequence change replaces proline, which is neutral and non-polar, with arginine, which is basic and polar, at codon 4852 of the HMCN1 protein (p.Pro4852Arg). This variant is present in population databases (rs374597394, gnomAD 0.03%). This variant has not been reported in the literature in individuals affected with HMCN1-related conditions. ClinVar contains an entry for this variant (Variation ID: 1438375). An algorithm developed to predict the effect of missense changes on protein structure and function (PolyPhen-2) suggests that this variant is likely to be disruptive. In summary, the available evidence is currently insufficient to determine the role of this variant in disease. Therefore, it has been classified as a Variant of Uncertain Significance.

CeGaT Center for Human Genetics Tuebingen
Classification: Likely benign. Last evaluated: 2025-05-01. Review status: criteria provided, single submitter. Criteria: CeGaT Center For Human Genetics Tuebingen Variant Classification Criteria Version 2. Collection method: clinical testing. Allele origin: germline. Affected: yes. Observed: 1 variant allele.
Comment: HMCN1: BP4, BS2

NM_031935.3(HMCN1):c.14555C>G (p.Pro4852Arg)

Gene: HMCN1 (hemicentin 1; plus strand). Cytogenetic location: 1q31.1.
Variant type: single nucleotide variant.
Coding change: c.14555C>G on transcript NM_031935.3 (MANE Select); coding-DNA position 14555, C replaced by G.
Protein change: p.Pro4852Arg; replaces proline 4852 with arginine.
Molecular consequence: missense variant.
Genome position (GRCh38, 1-based): chr1:186,145,870, C>G. VCF-style: chr1-186145870-C-G. GRCh37 (hg19) VCF-style: chr1-186115002-C-G.
Other names: short protein forms P4852R.
Identifiers: ClinVar variation 1438375 (VCV001438375.16), dbSNP rs374597394, ClinGen allele CA1294987.